The following is an entry in ClinVar:

ClinVar aggregate classification (germline): Uncertain significance (1 of 4 stars; one submission).

Allele frequency attached by ClinVar (database versions not stated): gnomAD exomes below 0.00001 and 0.00001; TOPMed 0.00001; ExAC 0.00002; ESP Exome Variant Server 0.00008.

Submission:

Labcorp Genetics (formerly Invitae), Labcorp
Classification: Uncertain significance. Last evaluated: 2022-11-29. Review status: criteria provided, single submitter. Criteria: Invitae Variant Classification Sherloc (09022015). Collection method: clinical testing. Allele origin: germline.
Comment: ClinVar contains an entry for this variant (Variation ID: 999569). This variant has not been reported in the literature in individuals affected with MERTK-related conditions. This variant is present in population databases (rs139327260, gnomAD 0.002%). This sequence change replaces valine, which is neutral and non-polar, with isoleucine, which is neutral and non-polar, at codon 119 of the MERTK protein (p.Val119Ile). Advanced modeling of protein sequence and biophysical properties (such as structural, functional, and spatial information, amino acid conservation, physicochemical variation, residue mobility, and thermodynamic stability) performed at Invitae indicates that this missense variant is not expected to disrupt MERTK protein function. In summary, the available evidence is currently insufficient to determine the role of this variant in disease. Therefore, it has been classified as a Variant of Uncertain Significance.

NM_006343.3(MERTK):c.355G>A (p.Val119Ile)

Gene: MERTK (MER proto-oncogene, tyrosine kinase; plus strand). Cytogenetic location: 2q13.
Variant type: single nucleotide variant.
Coding change: c.355G>A on transcript NM_006343.3 (MANE Select); coding-DNA position 355, G replaced by A.
Protein change: p.Val119Ile; replaces valine 119 with isoleucine.
Molecular consequence: missense variant.
Genome position (GRCh38, 1-based): chr2:111,929,413, G>A. VCF-style: chr2-111929413-G-A. GRCh37 (hg19) VCF-style: chr2-112686990-G-A.
Other names: short protein forms V119I.
Identifiers: ClinVar variation 999569 (VCV000999569.6), dbSNP rs139327260, ClinGen allele CA1831019.